The following is an entry in ClinVar:

NM_001288705.3(CSF1R):c.2554+3G>A

Gene: CSF1R (colony stimulating factor 1 receptor; minus strand). Cytogenetic location: 5q32.
Variant type: single nucleotide variant.
Coding change: c.2554+3G>A on transcript NM_001288705.3 (MANE Select); 3 bases into the intron after coding-DNA position 2554, G replaced by A.
Molecular consequence: intron variant.
Genome position (GRCh38, 1-based): chr5:150,056,023, C>T on the plus strand (G>A on the coding strand, the complement: CSF1R is on the minus strand). VCF-style: chr5-150056023-C-T. GRCh37 (hg19) VCF-style: chr5-149435586-C-T.
Other names: c.2110+3G>A (NM_001375321.1); c.2554+3G>A (NM_005211.4, NM_001375320.1, NM_001349736.2 and 1 more transcripts).
Identifiers: ClinVar variation 1210004 (VCV001210004.10), dbSNP rs377388187, ClinGen allele CA3506415.

ClinVar aggregate classification (germline): Uncertain significance. Review status: criteria provided, single submitter (1 of 4 stars). 5 submissions from 5 submitters: Uncertain significance (1). 4 of the submissions do not count toward it. Last evaluated 2025-10-19.

Conditions:
CSF1R-related disorder. Also called: CSF1R-related condition. Identifiers: MedGen CN379780, MONDO:0100632.

Allele frequency attached by ClinVar (database versions not stated): ESP Exome Variant Server 0.00008; gnomAD 0.00008 and 0.00009; TOPMed 0.00008; ExAC 0.00009.
gnomAD v4.1: 126 of 1,613,674 alleles (0.0078%); highest among the groups gnomAD compares: Non-Finnish European, 0.01%; no homozygotes.

Submissions (5):

Labcorp Genetics (formerly Invitae), Labcorp
Classification: Uncertain significance. Last evaluated: 2025-10-19. Review status: criteria provided, single submitter. Criteria: Invitae Variant Classification Sherloc (09022015). Collection method: clinical testing. Allele origin: germline.
Comment: This sequence change falls in intron 19 of the CSF1R gene. It does not directly change the encoded amino acid sequence of the CSF1R protein. It affects a nucleotide within the consensus splice site. This variant is present in population databases (rs377388187, gnomAD 0.02%). This variant has not been reported in the literature in individuals affected with CSF1R-related conditions. ClinVar contains an entry for this variant (Variation ID: 1210004). Variants that disrupt the consensus splice site are a relatively common cause of aberrant splicing (PMID: 17576681, 9536098). Algorithms developed to predict the effect of sequence changes on RNA splicing suggest that this variant is not likely to affect RNA splicing. In summary, the available evidence is currently insufficient to determine the role of this variant in disease. Therefore, it has been classified as a Variant of Uncertain Significance.

PreventionGenetics, part of Exact Sciences
Classification: Likely benign for CSF1R-related condition. Last evaluated: 2019-05-16. Review status: no assertion criteria provided. Collection method: clinical testing. Allele origin: germline. Not counted in ClinVar's aggregate classification.
Comment: This variant is classified as likely benign based on ACMG/AMP sequence variant interpretation guidelines (Richards et al. 2015 PMID: 25741868, with internal and published modifications).

Clinical Genetics DNA and cytogenetics Diagnostics Lab, Erasmus MC, Erasmus Medical Center
Classification: Likely benign. Review status: no assertion criteria provided. Collection method: clinical testing. Allele origin: germline. Affected: yes. Study: VKGL Data-share Consensus. Not counted in ClinVar's aggregate classification.

Genome Diagnostics Laboratory, Amsterdam University Medical Center
Classification: Likely benign. Review status: no assertion criteria provided. Collection method: clinical testing. Allele origin: germline. Affected: yes. Study: VKGL Data-share Consensus. Not counted in ClinVar's aggregate classification.

Laboratory of Diagnostic Genome Analysis, Leiden University Medical Center (LUMC)
Classification: Likely benign. Review status: no assertion criteria provided. Collection method: clinical testing. Allele origin: germline. Affected: yes. Study: VKGL Data-share Consensus. Not counted in ClinVar's aggregate classification.

Literature cited by the submitters: PubMed 17576681 (cited by Labcorp Genetics (formerly Invitae), Labcorp); PubMed 9536098 (cited by Labcorp Genetics (formerly Invitae), Labcorp).